The following is an entry in ClinVar:

ClinVar aggregate classification (germline): Uncertain significance. Review status: criteria provided, multiple submitters, no conflicts (2 of 4 stars). 2 submissions from 2 submitters: Uncertain significance (2). Last evaluated 2025-12-16.

Conditions:
Inborn genetic diseases. Identifiers: MedGen C0950123, MeSH D030342.

Allele frequency attached by ClinVar (database versions not stated): gnomAD exomes 0.00001 and 0.00002; ExAC 0.00002; TOPMed 0.00002; gnomAD 0.00005 and 0.00006.
gnomAD v4.1: 24 of 1,612,850 alleles (0.0015%); highest among the groups gnomAD compares: Middle Eastern, 0.016%; no homozygotes.

Submissions (2):

Ambry Genetics
Classification: Uncertain significance for Inborn genetic diseases. Last evaluated: 2025-12-16. Review status: criteria provided, single submitter. Criteria: Ambry Variant Classification Scheme 2023. Collection method: clinical testing. Allele origin: germline.

Labcorp Genetics (formerly Invitae), Labcorp
Classification: Uncertain significance. Last evaluated: 2022-01-13. Review status: criteria provided, single submitter. Criteria: Invitae Variant Classification Sherloc (09022015). Collection method: clinical testing. Allele origin: germline.
Comment: This sequence change replaces arginine, which is basic and polar, with glutamine, which is neutral and polar, at codon 1001 of the SKIV2L protein (p.Arg1001Gln). The frequency data for this variant in the population databases is considered unreliable, as metrics indicate poor data quality at this position in the gnomAD database. This variant has not been reported in the literature in individuals affected with SKIV2L-related conditions. Algorithms developed to predict the effect of missense changes on protein structure and function are either unavailable or do not agree on the potential impact of this missense change (SIFT: "Tolerated"; PolyPhen-2: "Possibly Damaging"; Align-GVGD: "Class C0"). In summary, the available evidence is currently insufficient to determine the role of this variant in disease. Therefore, it has been classified as a Variant of Uncertain Significance.

NM_006929.5(SKIC2):c.3002G>A (p.Arg1001Gln)

Gene: SKIC2 (SKI2 subunit of superkiller complex; plus strand). Cytogenetic location: 6p21.33.
Variant type: single nucleotide variant.
Coding change: c.3002G>A on transcript NM_006929.5 (MANE Select); coding-DNA position 3002, G replaced by A.
Protein change: p.Arg1001Gln; replaces arginine 1001 with glutamine.
Molecular consequence: missense variant.
Genome position (GRCh38, 1-based): chr6:31,968,471, G>A. VCF-style: chr6-31968471-G-A. GRCh37 (hg19) VCF-style: chr6-31936248-G-A.
Other names: c.3002G>A (NM_006929.4); short protein forms R1001Q.
Identifiers: ClinVar variation 1475210 (VCV001475210.4), dbSNP rs767427027, ClinGen allele CA3729926.